The following is an entry in ClinVar:

NC_000003.11:g.(?_9962155)_(9975297_?)del

Gene: IL17RC (interleukin 17 receptor C; plus strand). Cytogenetic location: 3p25.3.
Variant type: Deletion.
Identifiers: ClinVar variation 1054542 (VCV001054542.5).

ClinVar aggregate classification (germline): Uncertain significance (1 of 4 stars; one submission).

Conditions:
Candidiasis, familial, 9 (CANDF9). Identifiers: Orphanet 1334, MedGen C4225324, MONDO:0014642, OMIM 616445.

Submission:

Labcorp Genetics (formerly Invitae), Labcorp
Classification: Uncertain significance for Candidiasis, familial, 9. Last evaluated: 2020-01-02. Review status: criteria provided, single submitter. Criteria: Invitae Variant Classification Sherloc (09022015). Collection method: clinical testing. Allele origin: germline.
Comment: In summary, the available evidence is currently insufficient to determine the role of this variant in disease. Therefore, it has been classified as a Variant of Uncertain Significance. Experimental studies and prediction algorithms are not available or were not evaluated, and the functional significance of this variant is currently unknown. This variant has not been reported in the literature in individuals with IL17RC-related conditions. This variant is a gross deletion of the genomic region encompassing exons 6-19 of the IL17RC gene. The 5' boundary is likely confined to intron 5. The 3' end of this event is unknown as it extends through the termination codon beyond the assayed region for this gene and may encompass additional genes. While this deletion is not anticipated to result in nonsense mediated decay, it is expected to create a truncated protein product or disrupt mRNA translation.